The following is an entry in ClinVar:

NM_001244008.2(KIF1A):c.104C>G (p.Thr35Ser)

Gene: KIF1A (kinesin family member 1A; minus strand). Cytogenetic location: 2q37.3.
Variant type: single nucleotide variant.
Coding change: c.104C>G on transcript NM_001244008.2 (MANE Select); coding-DNA position 104, C replaced by G.
Protein change: p.Thr35Ser; replaces threonine 35 with serine.
Molecular consequence: missense variant.
Genome position (GRCh38, 1-based): chr2:240,797,649, G>C on the plus strand (C>G on the coding strand, the complement: KIF1A is on the minus strand). VCF-style: chr2-240797649-G-C. GRCh37 (hg19) VCF-style: chr2-241737066-G-C.
Other names: c.104C>G, p.Thr35Ser (NM_001320705.2, NM_001330289.2, NM_001330290.2 and 21 more transcripts); short protein forms T35S.
Identifiers: ClinVar variation 2497821 (VCV002497821.1), dbSNP rs2056551129, ClinGen allele CA351315388.

ClinVar aggregate classification (germline): Uncertain significance (1 of 4 stars; one submission).

Submission:

GeneDx
Classification: Uncertain significance. Last evaluated: 2022-10-04. Review status: criteria provided, single submitter. Criteria: GeneDx Variant Classification Process June 2021. Collection method: clinical testing. Allele origin: germline. Affected: yes.
Comment: Not observed at significant frequency in large population cohorts (gnomAD); In silico analysis supports that this missense variant has a deleterious effect on protein structure/function; Has not been previously published as pathogenic or benign to our knowledge; This variant is associated with the following publications: (PMID: 26125038, 21820098, 21376300)